The following is an entry in ClinVar:

ClinVar aggregate classification (germline): Pathogenic/Likely pathogenic. Review status: criteria provided, multiple submitters, no conflicts (2 of 4 stars). 6 submissions from 6 submitters: Pathogenic (3); Likely pathogenic (3). Last evaluated 2025-12-30.

Conditions:
RPE65-related disorder. Also called: RPE65-related condition; RPE65-related disorders. Identifiers: MedGen CN239301.
Leber congenital amaurosis 2 (LCA2). Also called: Autosomal Recessive RPE65-Related Retinal Degeneration; AMAUROSIS CONGENITA OF LEBER II. Identifiers: Orphanet 65, MedGen C1859844, MONDO:0008765, OMIM 204100. Disease mechanism: loss of function.
Retinitis pigmentosa 20 (RP20). Identifiers: Orphanet 791, MedGen C3151086, MONDO:0013425, OMIM 613794.
Leber congenital amaurosis (LCA). Also called: Leber's amaurosis. Identifiers: Orphanet 65, MedGen C0339527, MeSH D057130, MONDO:0018998.
RPE65-related recessive retinopathy. Also called: Recessive RPE65 retinopathy. Identifiers: MedGen CN305526, MONDO:0100368.

Allele frequency attached by ClinVar (database versions not stated): gnomAD below 0.00001 and 0.00001; gnomAD exomes 0.00001 and 0.00002; TOPMed 0.00002; ExAC 0.00004; ESP Exome Variant Server 0.00008.
gnomAD v4.1: 19 of 1,613,630 alleles (0.0012%); highest among the groups gnomAD compares: South Asian, 0.019%; 1 homozygote.

Submissions (6):

Natera, Inc.
Classification: Likely pathogenic for Leber congenital amaurosis. Last evaluated: 2025-12-30. Review status: criteria provided, single submitter. Criteria: Natera Variant Classification Schema (03/2026). Collection method: clinical testing. Allele origin: germline.
Comment: The c.746A>G variant in RPE65 is a missense variant predicted to cause substitution of tyrosine to cysteine at amino acid 249. This variant is rare in the general population with a frequency below the threshold expected for the associated phenotype(s). This variant has been observed in at least one unaffected individual, with a zygosity that is consistent with the inheritance pattern for the associated condition (in gnomAD and/or literature). This variant has been observed in one or more individuals affected with the associated recessive disease, as either homozygous or compound heterozygous with a second variant (PMID: 38219857, 26906952, 30653986, 38002999). Functional studies show that this variant may disrupt protein function (PMID: 25752820). Computational prediction algorithms indicate this variant is likely to affect gene or protein function. Given the available evidence, this variant is classified as Likely Pathogenic.

3billion
Classification: Likely pathogenic for Leber congenital amaurosis 2. Last evaluated: 2025-12-16. Review status: criteria provided, single submitter. Criteria: ACMG Guidelines, 2015. Collection method: clinical testing. Allele origin: germline. Affected: yes.
Comment: The variant is observed at an extremely low frequency in the gnomAD v4.1.0 dataset (total allele frequency: 0.001%). Predicted Consequence/Location: Missense variant In silico tool predictions suggest damaging effect of the variant on gene or gene product [REVEL: 0.95 (>=0.6, sensitivity 0.68 and specificity 0.92)]. The same nucleotide change resulting in the same amino acid change has been previously reported as pathogenic/likely pathogenic with strong evidence (ClinVar ID: VCV000937681 /PMID: 18055820). Therefore, this variant is classified as Likely pathogenic according to the recommendation of ACMG/AMP guideline.

Myriad Genetics, Inc.
Classification: Likely pathogenic for RPE65-related recessive retinopathy. Last evaluated: 2025-02-26. Review status: criteria provided, single submitter. Criteria: Myriad Autosomal Dominant, Autosomal Recessive and X-Linked Classification Criteria (2023). Collection method: clinical testing. Allele origin: unknown.
Comment: NM_000329.2(RPE65):c.746A>G(Y249C) is a missense variant classified as likely pathogenic in the context of inherited retinal dystrophy, RPE65-related. Y249C has been observed in cases with relevant disease (PMID: 30653986, 38002999, 26906952, Roberts_2010_(Article)). Relevant functional assessments of this variant are available in the literature (PMID: 25752820). Y249C has been observed in referenced population frequency databases. In summary, NM_000329.2(RPE65):c.746A>G(Y249C) is a missense variant that has been observed more frequently in cases with the relevant disease than in healthy populations. Please note: this variant was assessed in the context of healthy population screening.

Labcorp Genetics (formerly Invitae), Labcorp
Classification: Pathogenic for Leber congenital amaurosis 2; Retinitis pigmentosa 20. Last evaluated: 2024-03-20. Review status: criteria provided, single submitter. Criteria: Invitae Variant Classification Sherloc (09022015). Collection method: clinical testing. Allele origin: germline.
Comment: This sequence change replaces tyrosine, which is neutral and polar, with cysteine, which is neutral and slightly polar, at codon 249 of the RPE65 protein (p.Tyr249Cys). This variant is present in population databases (rs373652862, gnomAD 0.01%), including at least one homozygous and/or hemizygous individual. This missense change has been observed in individuals with Leber congenital amaurosis (PMID: 26906952, 28130426). It has also been observed to segregate with disease in related individuals. ClinVar contains an entry for this variant (Variation ID: 937681). Advanced modeling of protein sequence and biophysical properties (such as structural, functional, and spatial information, amino acid conservation, physicochemical variation, residue mobility, and thermodynamic stability) performed at Invitae indicates that this missense variant is expected to disrupt RPE65 protein function with a positive predictive value of 80%. Experimental studies have shown that this missense change affects RPE65 function (PMID: 25752820). For these reasons, this variant has been classified as Pathogenic.

Baylor Genetics
Classification: Pathogenic for Leber congenital amaurosis 2. Last evaluated: 2024-02-05. Review status: criteria provided, single submitter. Criteria: ACMG Guidelines, 2015. Collection method: clinical testing. Allele origin: unknown.

Blueprint Genetics
Classification: Pathogenic for RPE65-related disorders. Last evaluated: 2022-03-30. Review status: criteria provided, single submitter. Criteria: ACMG Guidelines, 2015. Collection method: clinical testing. Allele origin: germline. Affected: yes. Observed: 5 variant alleles.

Literature cited by the submitters: PubMed 38219857 (cited by Natera, Inc.); PubMed 26906952 (cited by Natera, Inc. and Labcorp Genetics (formerly Invitae), Labcorp); PubMed 30653986 (cited by Natera, Inc.); PubMed 38002999 (cited by Natera, Inc.); PubMed 25752820 (cited by 3 submitters); PubMed 18055820 (cited by 3billion); PubMed 28130426 (cited by Labcorp Genetics (formerly Invitae), Labcorp).

NM_000329.3(RPE65):c.746A>G (p.Tyr249Cys)

Gene: RPE65 (retinoid isomerohydrolase RPE65; minus strand). Cytogenetic location: 1p31.3.
Variant type: single nucleotide variant.
Coding change: c.746A>G on transcript NM_000329.3 (MANE Select); coding-DNA position 746, A replaced by G.
Protein change: p.Tyr249Cys; replaces tyrosine 249 with cysteine.
Molecular consequence: missense variant.
Genome position (GRCh38, 1-based): chr1:68,439,303, T>C on the plus strand (A>G on the coding strand, the complement: RPE65 is on the minus strand). VCF-style: chr1-68439303-T-C. GRCh37 (hg19) VCF-style: chr1-68904986-T-C.
Other names: short protein forms Y249C.
Identifiers: ClinVar variation 937681 (VCV000937681.14), dbSNP rs373652862, ClinGen allele CA902404.